The following is an entry in ClinVar:

NM_000136.3(FANCC):c.95A>G (p.Gln32Arg)

Gene: FANCC (FA complementation group C; minus strand). Cytogenetic location: 9q22.32.
Variant type: single nucleotide variant.
Coding change: c.95A>G on transcript NM_000136.3 (MANE Select); coding-DNA position 95, A replaced by G.
Protein change: p.Gln32Arg; replaces glutamine 32 with arginine.
Molecular consequence: missense variant.
Genome position (GRCh38, 1-based): chr9:95,249,197, T>C on the plus strand (A>G on the coding strand, the complement: FANCC is on the minus strand). VCF-style: chr9-95249197-T-C. GRCh37 (hg19) VCF-style: chr9-98011479-T-C.
Other names: c.95A>G, p.Gln32Arg (NM_001243743.2, NM_001243744.2); short protein forms Q32R.
Identifiers: ClinVar variation 3230403 (VCV003230403.1), dbSNP rs2542861408, ClinGen allele CA374340346.
Genomic context (GRCh38, chr9:95,249,197, plus strand): 5'-AAGGCTTCATACATCTTCCTTAGGAACTCCTGGAACTGAGCCACGTGAAGACAGGTGTCT[T>C]GCTGGGTTTCCAAAGTGGAAGCCTGATCCCATACAGAAAGCTTCTGCATCCAAAACTGAT-3'
Protein context (NP_000127.2, residues 22-42): WDQASTLETQ[Gln32Arg]DTCLHVAQFQ

ClinVar aggregate classification (germline): Uncertain significance (1 of 4 stars; one submission).

Conditions:
Hereditary cancer-predisposing syndrome. Also called: Neoplastic Syndromes, Hereditary; Tumor predisposition; Hereditary neoplastic syndrome; Hereditary Cancer Syndrome. Identifiers: Orphanet 140162, MedGen C0027672, MeSH D009386, MONDO:0015356.

Submission:

Ambry Genetics
Classification: Uncertain significance for Hereditary cancer-predisposing syndrome. Last evaluated: 2024-03-03. Review status: criteria provided, single submitter. Criteria: Ambry Variant Classification Scheme 2023. Collection method: clinical testing. Allele origin: germline.
Comment: The p.Q32R variant (also known as c.95A>G), located in coding exon 1 of the FANCC gene, results from an A to G substitution at nucleotide position 95. The glutamine at codon 32 is replaced by arginine, an amino acid with highly similar properties. This amino acid position is conserved. In addition, this alteration is predicted to be tolerated by in silico analysis. Based on the available evidence, the clinical significance of this alteration remains unclear.